The following is an entry in ClinVar:

NM_173500.4(TTBK2):c.932C>T (p.Thr311Ile)

Gene: TTBK2 (tau tubulin kinase 2; minus strand). Cytogenetic location: 15q15.2.
Variant type: single nucleotide variant.
Coding change: c.932C>T on transcript NM_173500.4 (MANE Select); coding-DNA position 932, C replaced by T.
Protein change: p.Thr311Ile; replaces threonine 311 with isoleucine.
Molecular consequence: missense variant.
Genome position (GRCh38, 1-based): chr15:42,794,692, G>A on the plus strand (C>T on the coding strand, the complement: TTBK2 is on the minus strand). VCF-style: chr15-42794692-G-A. GRCh37 (hg19) VCF-style: chr15-43086890-G-A.
Other names: short protein forms T311I.
Identifiers: ClinVar variation 1964511 (VCV001964511.6), dbSNP rs776686259, ClinGen allele CA7517003.
Genomic context (GRCh38, chr15:42,794,692, plus strand): 5'-TTTAGGACATACCCAATTGCAGCAGGGGTCAAGCGAGTGTGCAACTGAGGGGTGGTAGAA[G>A]TAGTGGTGGTTGTTAGGGAGCCATCATTTCCAGTCTTCTCCCAGTCAAAAGGGTCACTCT-3'
Protein context (NP_775771.3, residues 301-321): GNDGSLTTTT[Thr311Ile]STTPQLHTRL

ClinVar aggregate classification (germline): Uncertain significance. Review status: criteria provided, multiple submitters, no conflicts (2 of 4 stars). 2 submissions from 2 submitters: Uncertain significance (2). Last evaluated 2025-09-05.

Conditions:
Inborn genetic diseases. Identifiers: MedGen C0950123, MeSH D030342.

Allele frequency attached by ClinVar (database versions not stated): ExAC 0.00001; gnomAD 0.00001; TOPMed 0.00002.
gnomAD v4.1: 13 of 1,614,056 alleles (0.00081%); highest among the groups gnomAD compares: African/African-American, 0.0013%; no homozygotes.

Submissions (2):

Ambry Genetics
Classification: Uncertain significance for Inborn genetic diseases. Last evaluated: 2025-09-05. Review status: criteria provided, single submitter. Criteria: Ambry Variant Classification Scheme 2023. Collection method: clinical testing. Allele origin: germline.

Labcorp Genetics (formerly Invitae), Labcorp
Classification: Uncertain significance. Last evaluated: 2022-10-23. Review status: criteria provided, single submitter. Criteria: Invitae Variant Classification Sherloc (09022015). Collection method: clinical testing. Allele origin: germline.
Comment: Advanced modeling of protein sequence and biophysical properties (such as structural, functional, and spatial information, amino acid conservation, physicochemical variation, residue mobility, and thermodynamic stability) performed at Invitae indicates that this missense variant is not expected to disrupt TTBK2 protein function. In summary, the available evidence is currently insufficient to determine the role of this variant in disease. Therefore, it has been classified as a Variant of Uncertain Significance. This variant has not been reported in the literature in individuals affected with TTBK2-related conditions. This variant is present in population databases (rs776686259, gnomAD 0.007%). This sequence change replaces threonine, which is neutral and polar, with isoleucine, which is neutral and non-polar, at codon 311 of the TTBK2 protein (p.Thr311Ile).